The following is an entry in ClinVar:

NM_022552.5(DNMT3A):c.2192T>A (p.Phe731Tyr)

Gene: DNMT3A (DNA methyltransferase 3 alpha; minus strand). Cytogenetic location: 2p23.3.
Variant type: single nucleotide variant.
Coding change: c.2192T>A on transcript NM_022552.5 (MANE Select); coding-DNA position 2192, T replaced by A.
Protein change: p.Phe731Tyr; replaces phenylalanine 731 with tyrosine.
Molecular consequence: missense variant. On other transcripts: non-coding transcript variant (1).
Genome position (GRCh38, 1-based): chr2:25,240,432, A>T on the plus strand (T>A on the coding strand, the complement: DNMT3A is on the minus strand). VCF-style: chr2-25240432-A-T. GRCh37 (hg19) VCF-style: chr2-25463301-A-T.
Other names: c.1736T>A, p.Phe579Tyr (NM_001320893.1); c.1523T>A, p.Phe508Tyr (NM_001375819.1); c.1625T>A, p.Phe542Tyr (NM_153759.3); c.2192T>A, p.Phe731Tyr (NM_175629.2); short protein forms F731Y, F508Y, F542Y, F579Y.
Identifiers: ClinVar variation 4013954 (VCV004013954.1).

ClinVar aggregate classification (germline): Uncertain significance (1 of 4 stars; one submission).

Conditions:
Inborn genetic diseases. Identifiers: MedGen C0950123, MeSH D030342.

Submission:

Ambry Genetics
Classification: Uncertain significance for Inborn genetic diseases. Last evaluated: 2025-03-19. Review status: criteria provided, single submitter. Criteria: Ambry Variant Classification Scheme 2023. Collection method: clinical testing. Allele origin: germline.
Comment: The c.2192T>A (p.F731Y) alteration is located in exon 19 (coding exon 18) of the DNMT3A gene. This alteration results from a T to A substitution at nucleotide position 2192, causing the phenylalanine (F) at amino acid position 731 to be replaced by a tyrosine (Y). This variant was not reported in population-based cohorts in the Genome Aggregation Database (gnomAD). This amino acid position is highly conserved in available vertebrate species. This alteration is predicted to be deleterious by in silico analysis. Based on insufficient or conflicting evidence, the clinical significance of this alteration remains unclear.